The following is an entry in ClinVar:

ClinVar aggregate classification (germline): Uncertain significance (1 of 4 stars; one submission).

Submission:

Labcorp Genetics (formerly Invitae), Labcorp
Classification: Uncertain significance. Last evaluated: 2024-04-16. Review status: criteria provided, single submitter. Criteria: Invitae Variant Classification Sherloc (09022015). Collection method: clinical testing. Allele origin: germline.
Comment: This sequence change replaces glutamic acid, which is acidic and polar, with glycine, which is neutral and non-polar, at codon 613 of the COL2A1 protein (p.Glu613Gly). This variant is not present in population databases (gnomAD no frequency). This variant has not been reported in the literature in individuals affected with COL2A1-related conditions. ClinVar contains an entry for this variant (Variation ID: 1346376). Advanced modeling of protein sequence and biophysical properties (such as structural, functional, and spatial information, amino acid conservation, physicochemical variation, residue mobility, and thermodynamic stability) has been performed at Invitae for this missense variant, however the output from this modeling did not meet the statistical confidence thresholds required to predict the impact of this variant on COL2A1 protein function. In summary, the available evidence is currently insufficient to determine the role of this variant in disease. Therefore, it has been classified as a Variant of Uncertain Significance.

NM_001844.5(COL2A1):c.1838A>G (p.Glu613Gly)

Gene: COL2A1 (collagen type II alpha 1 chain; minus strand). Cytogenetic location: 12q13.11.
Variant type: single nucleotide variant.
Coding change: c.1838A>G on transcript NM_001844.5 (MANE Select); coding-DNA position 1838, A replaced by G.
Protein change: p.Glu613Gly; replaces glutamic acid 613 with glycine.
Molecular consequence: missense variant.
Genome position (GRCh38, 1-based): chr12:47,984,595, T>C on the plus strand (A>G on the coding strand, the complement: COL2A1 is on the minus strand). VCF-style: chr12-47984595-T-C. GRCh37 (hg19) VCF-style: chr12-48378378-T-C.
Other names: c.1631A>G, p.Glu544Gly (NM_033150.3); short protein forms E613G, E544G.
Identifiers: ClinVar variation 1346376 (VCV001346376.6), dbSNP rs2136561768, ClinGen allele CA384549566.